The following is an entry in ClinVar:

ClinVar aggregate classification (germline): Uncertain significance (1 of 4 stars; one submission).

Conditions:
Hereditary cancer-predisposing syndrome. Also called: Neoplastic Syndromes, Hereditary; Tumor predisposition; Hereditary neoplastic syndrome; Hereditary Cancer Syndrome. Identifiers: Orphanet 140162, MedGen C0027672, MeSH D009386, MONDO:0015356.

Submission:

Color Diagnostics, LLC DBA Color Health
Classification: Uncertain significance for Hereditary cancer-predisposing syndrome. Last evaluated: 2023-12-05. Review status: criteria provided, single submitter. Criteria: ACMG Guidelines, 2015. Collection method: clinical testing. Allele origin: germline.
Comment: This missense variant replaces asparagine with serine at codon 231 of the BRIP1 protein. Computational prediction suggests that this variant may not impact protein structure and function (internally defined REVEL score threshold <= 0.5, PMID: 27666373). To our knowledge, functional studies have not been reported for this variant. This variant has not been reported in individuals affected with BRIP1-related disorders in the literature. This variant has not been identified in the general population by the Genome Aggregation Database (gnomAD). The available evidence is insufficient to determine the role of this variant in disease conclusively. Therefore, this variant is classified as a Variant of Uncertain Significance.

NM_032043.3(BRIP1):c.692A>G (p.Asn231Ser)

Gene: BRIP1 (BRCA1 interacting DNA helicase 1; minus strand). Cytogenetic location: 17q23.2.
Variant type: single nucleotide variant.
Coding change: c.692A>G on transcript NM_032043.3 (MANE Select); coding-DNA position 692, A replaced by G.
Protein change: p.Asn231Ser; replaces asparagine 231 with serine.
Molecular consequence: missense variant.
Genome position (GRCh38, 1-based): chr17:61,808,693, T>C on the plus strand (A>G on the coding strand, the complement: BRIP1 is on the minus strand). VCF-style: chr17-61808693-T-C. GRCh37 (hg19) VCF-style: chr17-59886054-T-C.
Other names: short protein forms N231S.
Identifiers: ClinVar variation 630069 (VCV000630069.5), dbSNP rs1567838412, ClinGen allele CA400485116.